The following is an entry in ClinVar:

NM_000038.6(APC):c.8393C>T (p.Thr2798Ile)

Gene: APC (APC regulator of Wnt signaling pathway; plus strand). Cytogenetic location: 5q22.2.
Variant type: single nucleotide variant.
Coding change: c.8393C>T on transcript NM_000038.6 (MANE Select); coding-DNA position 8393, C replaced by T.
Protein change: p.Thr2798Ile; replaces threonine 2798 with isoleucine.
Molecular consequence: missense variant.
Genome position (GRCh38, 1-based): chr5:112,843,987, C>T. VCF-style: chr5-112843987-C-T. GRCh37 (hg19) VCF-style: chr5-112179684-C-T.
Other names: c.8393C>T, p.Thr2798Ile (NM_001127510.3, NM_001354895.2); c.8339C>T, p.Thr2780Ile (NM_001127511.3); c.8447C>T, p.Thr2816Ile (NM_001354896.2); c.8423C>T, p.Thr2808Ile (NM_001354897.2); c.8318C>T, p.Thr2773Ile (NM_001354898.2); c.8309C>T, p.Thr2770Ile (NM_001354899.2); c.8270C>T, p.Thr2757Ile (NM_001354900.2); c.8216C>T, p.Thr2739Ile (NM_001354901.2); and 5 more; short protein forms T2515I, T2638I, T2672I, T2697I, T2707I, T2739I, T2757I, T2770I.
Identifiers: ClinVar variation 1320757 (VCV001320757.11), dbSNP rs1324997321, ClinGen allele CA16039551.

ClinVar aggregate classification (germline): Uncertain significance. Review status: criteria provided, multiple submitters, no conflicts (2 of 4 stars). 5 submissions from 5 submitters: Uncertain significance (5). Last evaluated 2025-11-24.

Conditions:
Hereditary cancer-predisposing syndrome. Also called: Hereditary neoplastic syndrome; Neoplastic Syndromes, Hereditary; Tumor predisposition; Hereditary Cancer Syndrome. Identifiers: Orphanet 140162, MedGen C0027672, MeSH D009386, MONDO:0015356.
Classic or attenuated familial adenomatous polyposis. Identifiers: MedGen CN372698, MONDO:0021057.
Familial adenomatous polyposis 1 (FAP1). Also called: POLYPOSIS, ADENOMATOUS INTESTINAL; FAMILIAL ADENOMATOUS POLYPOSIS 1, ATTENUATED. Identifiers: MedGen C2713442, MONDO:0021056, OMIM 175100. Disease mechanism: loss of function.

Allele frequency attached by ClinVar (database versions not stated): gnomAD exomes below 0.00001.
gnomAD v4.1: 1 of 1,601,386 alleles (0.000062%); no homozygotes.

Submissions (5):

Ambry Genetics
Classification: Uncertain significance for Hereditary cancer-predisposing syndrome. Last evaluated: 2025-11-24. Review status: criteria provided, single submitter. Criteria: Ambry Variant Classification Scheme 2023. Collection method: clinical testing. Allele origin: germline.
Comment: The p.T2798I variant (also known as c.8393C>T), located in coding exon 15 of the APC gene, results from a C to T substitution at nucleotide position 8393. The threonine at codon 2798 is replaced by isoleucine, an amino acid with similar properties. This amino acid position is not well conserved in available vertebrate species. In addition, in silico predictors for this gene do not accurately predict pathogenicity. Missense variants in APC are not a common cause of disease (Spier I et al. Genet Med. 2024 Feb;26(2):100992).Based on the available evidence, the clinical significance of this variant remains unclear.

Labcorp Genetics (formerly Invitae), Labcorp
Classification: Uncertain significance for Familial adenomatous polyposis 1. Last evaluated: 2024-05-23. Review status: criteria provided, single submitter. Criteria: Invitae Variant Classification Sherloc (09022015). Collection method: clinical testing. Allele origin: germline.
Comment: This sequence change replaces threonine, which is neutral and polar, with isoleucine, which is neutral and non-polar, at codon 2798 of the APC protein (p.Thr2798Ile). This variant is present in population databases (no rsID available, gnomAD 0.005%). This variant has not been reported in the literature in individuals affected with APC-related conditions. ClinVar contains an entry for this variant (Variation ID: 1320757). Advanced modeling of protein sequence and biophysical properties (such as structural, functional, and spatial information, amino acid conservation, physicochemical variation, residue mobility, and thermodynamic stability) performed at Invitae indicates that this missense variant is not expected to disrupt APC protein function with a negative predictive value of 95%. In summary, the available evidence is currently insufficient to determine the role of this variant in disease. Therefore, it has been classified as a Variant of Uncertain Significance.

All of Us Research Program, National Institutes of Health
Classification: Uncertain significance for Classic or attenuated familial adenomatous polyposis. Last evaluated: 2023-03-07. Review status: criteria provided, single submitter. Criteria: ACMG Guidelines, 2015. Collection method: clinical testing. Allele origin: germline. Inheritance: Autosomal dominant inheritance. Observed: 1 variant allele, 1 heterozygote.
Comment: This missense variant replaces threonine with isoleucine at codon 2798 of the APC protein. Computational prediction suggests that this variant may not impact protein structure and function (internally defined REVEL score threshold <= 0.5, PMID: 27666373). To our knowledge, functional studies have not been reported for this variant. This variant has not been reported in individuals affected with APC-related disorders in the literature. This variant has been identified in 1/238630 chromosomes in the general population by the Genome Aggregation Database (gnomAD). The available evidence is insufficient to determine the role of this variant in disease conclusively. Therefore, this variant is classified as a Variant of Uncertain Significance.

This study involves interpretation of variants in research participants for the purpose of population health screening. Participant phenotype was not available at the time of variant classification. Additional details can be found in publication PMID: 35346344, PMCID: PMC8962531

Quest Diagnostics Nichols Institute San Juan Capistrano
Classification: Uncertain significance. Last evaluated: 2020-12-18. Review status: criteria provided, single submitter. Criteria: Quest Diagnostics criteria. Collection method: clinical testing. Allele origin: unknown.

GeneDx
Classification: Uncertain significance. Last evaluated: 2019-05-21. Review status: criteria provided, single submitter. Criteria: GeneDx Variant Classification Process June 2021. Collection method: clinical testing. Allele origin: germline. Affected: yes.
Comment: Not observed at a significant frequency in large population cohorts (Lek et al., 2016); Has not been previously published as pathogenic or benign to our knowledge